The following is an entry in ClinVar:

ClinVar aggregate classification (germline): Pathogenic (3 of 4 stars; one submission).

Conditions:
Monogenic diabetes. Identifiers: Orphanet 183625, MedGen C3888631, MONDO:0015967.

Submission:

ClinGen Monogenic Diabetes Variant Curation Expert Panel
Classification: Pathogenic for Monogenic diabetes. Last evaluated: 2024-01-22. Review status: reviewed by expert panel. Criteria: ClinGen Diabetes ACMG Specifications HNF1A V2.1.0. Collection method: curation. Allele origin: germline. Inheritance: Autosomal dominant inheritance.
Comment: The c.682dup variant in the HNF1 homebox A gene, HNF1A, causes a frameshift in the protein at codon 228 (NM_000545.8), adding 11 novel amino acids before encountering a stop codon (p.(Glu228GlyfsTer11)). This variant, located in biologically-relevant exon 3 of 10, is predicted to lead to nonsense mediated decay in a gene in which loss-of-function is an established disease mechanism (PVS1; PMID: 23348805). This variant is absent in gnomAD v2.1.1 (PM2_Supporting). This variant was identified in three unrelated individuals with non-autoimmune and non-absolute/near-absolute insulin-deficient diabetes; however, PS4_Moderate cannot be applied because this number is below the ClinGen MDEP threshold (PMID:18003757, internal lab contributor). One of these individuals had a clinical history highly specific for HNF1A-MODY (MODY probability calculator result >50%, negative genetic testing for HNF4Al, and negative antibodies) (PP4; internal lab contributor). This variant segregated with diabetes with one informative meiosis in a single family; however, this does not meet the thresholds for PP1 set by the ClinGen MDEP (PMID: 27236918, internal lab contributor). In summary, c.682dup meets the criteria to be classified as pathogenic for monogenic diabetes. ACMG/AMP criteria applied, as specified by the ClinGen MDEP (specification version 2.1.0, approved 8/11/2023): PVS1, PP4_Moderate, PM2_Supporting.

NM_000545.8(HNF1A):c.682dup (p.Glu228fs)

Gene: HNF1A (HNF1 homeobox A; plus strand). Cytogenetic location: 12q24.31.
Variant type: Duplication.
Coding change: c.682dup on transcript NM_000545.8 (MANE Select); coding-DNA position 682, one base duplicated (G; older notation c.682dupG).
Protein change: p.Glu228fs; shifts the reading frame from glutamic acid 228.
Molecular consequence: frameshift variant.
Genome position (GRCh38, 1-based): chr12:120,993,675, G duplicated; the last of 2 consecutive G bases (chr12:120,993,674-120,993,675); duplicating either gives the same sequence. VCF-style (leftmost placement, unchanged base first): chr12-120993673-A-AG. GRCh37 (hg19) VCF-style: chr12-121431476-A-AG.
Other names: NM_001306179.2:c.682dup; c.682dup, p.Glu228fs (NM_001306179.2, NM_001406915.1); short protein forms E228fs.
Identifiers: ClinVar variation 2691844 (VCV002691844.1), dbSNP rs2499995695, ClinGen allele CA2580611120.
Genomic context (GRCh38, chr12:120,993,673, plus strand): 5'-GCCCAGCATCCCAGCAGATCCTGTTCCAGGCCTATGAGAGGCAGAAGAACCCTAGCAAGG[A>AG]GGAGCGAGAGACGCTAGTGGAGGAGTGCAATAGGTACAACGGCGGGCGGGAAACAGTGCT-3'